The following is an entry in ClinVar:

NM_020457.3(THAP11):c.366_395del (p.Gln123_Gln132del)

Genes: CENPT (centromere protein T; minus strand), THAP11 (THAP domain containing 11; plus strand). Cytogenetic location: 16q22.1.
Variant type: Deletion.
Coding change: c.366_395del on transcript NM_020457.3 (MANE Select); coding-DNA positions 366 to 395, 30 bases deleted (ACAGCAGCAGCAGCAGCAGCAGCAGCAGCA).
Protein change: p.Gln123_Gln132del.
Molecular consequence: inframe deletion. On other transcripts: intron variant (1).
Genome position (GRCh38, 1-based): chr16:67,842,920-67,842,949, ACAGCAGCAGCAGCAGCAGCAGCAGCAGCA deleted; deleting any 30 consecutive bases within chr16:67,842,903-67,842,949 gives the same sequence; the c. name uses the placement nearest the transcript's 3' end. VCF-style (leftmost placement, unchanged base first): chr16-67842902-ACAGCAGCAGCAGCAGCAACAGCAGCAGCAG-A. GRCh37 (hg19) VCF-style: chr16-67876805-ACAGCAGCAGCAGCAGCAACAGCAGCAGCAG-A.
Other names: c.-492+4469_-492+4498del (NM_025082.4).
Identifiers: ClinVar variation 2157122 (VCV002157122.4), dbSNP rs1303168006, ClinGen allele CA723102340.
Genomic context (GRCh38, chr16:67,842,902, plus strand): 5'-GGCCGCGGCCGCCCGCCGCAGGCAGCAGCAGCAACAGCAGCAGCAGCAGCAACAGCAGCA[ACAGCAGCAGCAGCAGCAACAGCAGCAGCAG>A]CAGCAGCAGCAGCAGCAGTCCTCACCCTCTGCCTCCACTGCCCAGACTGCCCAGCTGCAG-3'

ClinVar aggregate classification (germline): Uncertain significance (1 of 4 stars; one submission).

Submission:

Labcorp Genetics (formerly Invitae), Labcorp
Classification: Uncertain significance. Last evaluated: 2025-08-25. Review status: criteria provided, single submitter. Criteria: Invitae Variant Classification Sherloc (09022015). Collection method: clinical testing. Allele origin: germline.
Comment: This variant, c.366_395del, results in the deletion of 10 amino acid(s) of the THAP11 protein (p.Gln123_Gln132del), but otherwise preserves the integrity of the reading frame. This variant is not present in population databases (gnomAD no frequency). This variant has not been reported in the literature in individuals affected with THAP11-related conditions. ClinVar contains an entry for this variant (Variation ID: 2157122). Experimental studies and prediction algorithms are not available or were not evaluated, and the functional significance of this variant is currently unknown. In summary, the available evidence is currently insufficient to determine the role of this variant in disease. Therefore, it has been classified as a Variant of Uncertain Significance.